The following is an entry in ClinVar:

ClinVar aggregate classification (germline): other; risk factor. Review status: no assertion criteria provided (0 of 4 stars). 7 submissions from 2 submitters. Last evaluated 2022-12-10.

Conditions:
Diabetes mellitus, type 1, susceptibility to. Identifiers: MedGen C3837968.
Diabetes mellitus type 2, susceptibility to. Identifiers: MedGen C3837967.
Kaposi sarcoma. Also called: Kaposi's sarcoma (disease); Kaposi's sarcoma; Mediterranean Kaposi sarcoma. Identifiers: Orphanet 33276, MedGen C0036220, MONDO:0005055, HP:0100726.
Rheumatoid arthritis, systemic juvenile, susceptibility to.
Crohn disease-associated growth failure, susceptibility to. Identifiers: MedGen C2675113.
Intracranial hemorrhage in brain cerebrovascular malformations, susceptibility to.
Cholangiocarcinoma. Identifiers: Orphanet 70567, MedGen C0206698, MeSH D018281, MONDO:0019087, HP:0030153.

Allele frequency attached by ClinVar (database versions not stated): gnomAD exomes 0.65014; gnomAD 0.70949 and 0.71660; TOPMed 0.75021; 1000 Genomes Project 30x 0.85696; 1000 Genomes Project 0.85883.

Submissions (7):

Department of Surgery, Campus Charité Mitte | Campus Virchow-klinikum, Charite-Universitaetsmedizin Berlin
Classification: other for Cholangiocarcinoma. Last evaluated: 2022-12-10. Review status: no assertion criteria provided. Collection method: research. Allele origin: germline. Affected: yes.
Comment: No association with disease-free or overall survival after resection of intrahepatic Cholangiocarcinoma

OMIM
Classification: risk factor for RHEUMATOID ARTHRITIS, SYSTEMIC JUVENILE, SUSCEPTIBILITY TO. Last evaluated: 2007-09-01. Review status: no assertion criteria provided. Collection method: literature only. Allele origin: germline.

OMIM
Classification: risk factor for KAPOSI SARCOMA, SUSCEPTIBILITY TO. Last evaluated: 2007-09-01. Review status: no assertion criteria provided. Collection method: literature only. Allele origin: germline.

OMIM
Classification: risk factor for CROHN DISEASE-ASSOCIATED GROWTH FAILURE, SUSCEPTIBILITY TO. Last evaluated: 2007-09-01. Review status: no assertion criteria provided. Collection method: literature only. Allele origin: germline.

OMIM
Classification: risk factor for INTRACRANIAL HEMORRHAGE IN BRAIN CEREBROVASCULAR MALFORMATIONS, SUSCEPTIBILITY TO. Last evaluated: 2007-09-01. Review status: no assertion criteria provided. Collection method: literature only. Allele origin: germline.

OMIM
Classification: risk factor for TYPE 1 DIABETES MELLITUS, SUSCEPTIBILITY TO. Last evaluated: 2007-09-01. Review status: no assertion criteria provided. Collection method: literature only. Allele origin: germline.

OMIM
Classification: risk factor for TYPE 2 DIABETES MELLITUS, SUSCEPTIBILITY TO. Last evaluated: 2007-09-01. Review status: no assertion criteria provided. Collection method: literature only. Allele origin: germline.

Literature cited by the submitters: PubMed 18550579 (cited by Department of Surgery, Campus Charité Mitte | Campus Virchow-klinikum, Charite-Universitaetsmedizin Berlin); PubMed 9769329 (cited by OMIM); PubMed 11001912 (cited by OMIM); PubMed 10720087 (cited by OMIM); PubMed 11889177 (cited by OMIM); PubMed 12519862 (cited by OMIM); PubMed 12719374 (cited by OMIM); PubMed 15070960 (cited by OMIM); PubMed 15472205 (cited by OMIM); PubMed 12560873 (cited by OMIM); PubMed 17623760 (cited by OMIM); PubMed 16150725 (cited by OMIM); PubMed 15331795 (cited by OMIM); PubMed 16278864 (cited by OMIM).

NC_000007.14:g.22727026C>G

Genes: IL6 (interleukin 6; plus strand), IL6-AS1 (IL6 antisense RNA 1; minus strand), LOC126859963 (BRD4-independent group 4 enhancer GRCh37_chr7:22766269-22767468; plus strand). Cytogenetic location: 7p15.3.
Variant type: single nucleotide variant.
Genome position: GRCh38 VCF-style: chr7-22727026-C-G. GRCh37 (hg19) VCF-style: chr7-22766645-C-G.
Other names: -174G-C.
Identifiers: ClinVar variation 14718 (VCV000014718.25), dbSNP rs1800795, ClinGen allele CA12500163.